The following is an entry in ClinVar:

NM_014679.5(CEP57):c.365A>T (p.Glu122Val)

Gene: CEP57 (centrosomal protein 57; plus strand). Cytogenetic location: 11q21.
Variant type: single nucleotide variant.
Coding change: c.365A>T on transcript NM_014679.5 (MANE Select); coding-DNA position 365, A replaced by T.
Protein change: p.Glu122Val; replaces glutamic acid 122 with valine.
Molecular consequence: missense variant.
Genome position (GRCh38, 1-based): chr11:95,813,094, A>T. VCF-style: chr11-95813094-A-T. GRCh37 (hg19) VCF-style: chr11-95546258-A-T.
Other names: c.338A>T, p.Glu113Val (NM_001243776.2); c.365A>T, p.Glu122Val (NM_001243777.2); c.284A>T, p.Glu95Val (NM_001363604.2); short protein forms E113V, E122V, E95V.
Identifiers: ClinVar variation 3611022 (VCV003611022.2).

ClinVar aggregate classification (germline): Uncertain significance (1 of 4 stars; one submission).

Conditions:
Mosaic variegated aneuploidy syndrome 2 (MVA2). Identifiers: Orphanet 1052, MedGen C3279843, MONDO:0013582, OMIM 614114.

gnomAD v4.1: 8 of 1,612,884 alleles (0.0005%); highest among the groups gnomAD compares: South Asian, 0.0077%; no homozygotes.

Submission:

Labcorp Genetics (formerly Invitae), Labcorp
Classification: Uncertain significance for Mosaic variegated aneuploidy syndrome 2. Last evaluated: 2024-09-09. Review status: criteria provided, single submitter. Criteria: Invitae Variant Classification Sherloc (09022015). Collection method: clinical testing. Allele origin: germline.
Comment: This sequence change replaces glutamic acid, which is acidic and polar, with valine, which is neutral and non-polar, at codon 122 of the CEP57 protein (p.Glu122Val). This variant is present in population databases (rs758749076, gnomAD 0.01%). This variant has not been reported in the literature in individuals affected with CEP57-related conditions. Invitae Evidence Modeling of protein sequence and biophysical properties (such as structural, functional, and spatial information, amino acid conservation, physicochemical variation, residue mobility, and thermodynamic stability) indicates that this missense variant is not expected to disrupt CEP57 protein function with a negative predictive value of 80%. Algorithms developed to predict the effect of sequence changes on RNA splicing suggest that this variant may create or strengthen a splice site. In summary, the available evidence is currently insufficient to determine the role of this variant in disease. Therefore, it has been classified as a Variant of Uncertain Significance.